The following is an entry in ClinVar:

ClinVar aggregate classification (germline): Benign/Likely benign. Review status: criteria provided, multiple submitters, no conflicts (2 of 4 stars). 3 submissions from 3 submitters: Benign (1); Likely benign (2). Last evaluated 2026-07-14.

Conditions:
Hereditary cancer-predisposing syndrome. Also called: Hereditary neoplastic syndrome; Neoplastic Syndromes, Hereditary; Tumor predisposition; Hereditary Cancer Syndrome. Identifiers: Orphanet 140162, MedGen C0027672, MeSH D009386, MONDO:0015356.
Rhabdoid tumor predisposition syndrome 2 (RTPS2). Identifiers: Orphanet 231108, Orphanet 69077, MedGen C2750074, MONDO:0013224, OMIM 613325.

Submissions (3):

Myriad Genetics, Inc.
Classification: Benign for Rhabdoid tumor predisposition syndrome 2. Last evaluated: 2026-07-14. Review status: criteria provided, single submitter. Criteria: Myriad Autosomal Dominant, Autosomal Recessive and X-Linked Classification Criteria (2023). Collection method: clinical testing. Allele origin: unknown.
Comment: This variant is considered benign. This variant is a silent/synonymous amino acid change and it is not expected to impact splicing.

Labcorp Genetics (formerly Invitae), Labcorp
Classification: Likely benign for Rhabdoid tumor predisposition syndrome 2. Last evaluated: 2024-08-31. Review status: criteria provided, single submitter. Criteria: Invitae Variant Classification Sherloc (09022015). Collection method: clinical testing. Allele origin: germline.

Ambry Genetics
Classification: Likely benign for Hereditary cancer-predisposing syndrome. Last evaluated: 2023-05-15. Review status: criteria provided, single submitter. Criteria: Ambry Variant Classification Scheme 2023. Collection method: clinical testing. Allele origin: germline.

NM_003072.5(SMARCA4):c.3087A>G (p.Lys1029=)

Gene: SMARCA4 (SWI/SNF related BAF chromatin remodeling complex subunit ATPase 4; plus strand). Cytogenetic location: 19p13.2.
Variant type: single nucleotide variant.
Coding change: c.3087A>G on transcript NM_003072.5 (MANE Select); coding-DNA position 3087, A replaced by G.
Protein change: p.Lys1029=; no amino-acid change (lysine 1029 retained).
Molecular consequence: synonymous variant. On other transcripts: non-coding transcript variant (1).
Genome position (GRCh38, 1-based): chr19:11,025,427, A>G. VCF-style: chr19-11025427-A-G. GRCh37 (hg19) VCF-style: chr19-11136103-A-G.
Other names: c.3087A>G, p.Lys1029= (NM_001128844.3, NM_001128845.2, NM_001128846.2 and 4 more transcripts).
Identifiers: ClinVar variation 749790 (VCV000749790.12), dbSNP rs1600311114, ClinGen allele CA505490880.
Genomic context (GRCh38, chr19:11,025,427, plus strand): 5'-CACCCCACCCCAGGAGGGCAAGACCCCATTTGGGTCCCTCTCATCTGCCTTCCAGGGCAA[A>G]GGCGGCACCAAGACCCTGATGAACACCATCATGCAGCTGCGGAAGATCTGCAACCACCCC-3'
Protein context (NP_003063.2, residues 1019-1039): TDGSEKDKKG[Lys1029=]GGTKTLMNTI